The following is an entry in ClinVar:

ClinVar aggregate classification (germline): Uncertain significance. Review status: criteria provided, multiple submitters, no conflicts (2 of 4 stars). 2 submissions from 2 submitters: Uncertain significance (2). Last evaluated 2024-12-29.

Conditions:
Cardiovascular phenotype. Identifiers: MedGen CN230736.
Arrhythmogenic cardiomyopathy with wooly hair and keratoderma. Also called: Dilated cardiomyopathy with woolly hair and keratoderma; PALMOPLANTAR KERATODERMA WITH LEFT VENTRICULAR CARDIOMYOPATHY AND WOOLLY HAIR; Arrhythmogenic cardiomyopathy with woolly hair and keratoderma; Carvajal syndrome. Identifiers: Orphanet 65282, MedGen C1854063, MONDO:0011581, OMIM 605676.
Arrhythmogenic right ventricular dysplasia 8 (ARVD8). Also called: Arrhythmogenic Right Ventricular Dysplasia/Cardiomyopathy 8; ARRHYTHMOGENIC RIGHT VENTRICULAR DYSPLASIA, FAMILIAL, 8; ARRHYTHMOGENIC RIGHT VENTRICULAR CARDIOMYOPATHY 8. Identifiers: MedGen C1843896, MONDO:0011831, OMIM 607450.

Allele frequency attached by ClinVar (database versions not stated): ExAC 0.00001.
gnomAD v4.1: 5 of 1,614,156 alleles (0.00031%); highest among the groups gnomAD compares: Non-Finnish European, 0.00042%; no homozygotes.

Submissions (2):

Ambry Genetics
Classification: Uncertain significance for Cardiovascular phenotype. Last evaluated: 2024-12-29. Review status: criteria provided, single submitter. Criteria: Ambry Variant Classification Scheme 2023. Collection method: clinical testing. Allele origin: germline.
Comment: The p.M915K variant (also known as c.2744T>A), located in coding exon 19 of the DSP gene, results from a T to A substitution at nucleotide position 2744. The methionine at codon 915 is replaced by lysine, an amino acid with similar properties. This amino acid position is conserved. In addition, this alteration is predicted to be tolerated by in silico analysis. Based on the available evidence, the clinical significance of this variant remains unclear.

Labcorp Genetics (formerly Invitae), Labcorp
Classification: Uncertain significance for Arrhythmogenic cardiomyopathy with wooly hair and keratoderma; Arrhythmogenic right ventricular dysplasia 8. Last evaluated: 2022-07-22. Review status: criteria provided, single submitter. Criteria: Invitae Variant Classification Sherloc (09022015). Collection method: clinical testing. Allele origin: germline.
Comment: This sequence change replaces methionine, which is neutral and non-polar, with lysine, which is basic and polar, at codon 915 of the DSP protein (p.Met915Lys). In summary, the available evidence is currently insufficient to determine the role of this variant in disease. Therefore, it has been classified as a Variant of Uncertain Significance. Algorithms developed to predict the effect of missense changes on protein structure and function are either unavailable or do not agree on the potential impact of this missense change (SIFT: "Deleterious"; PolyPhen-2: "Benign"; Align-GVGD: "Class C0"). ClinVar contains an entry for this variant (Variation ID: 1021261). This variant has not been reported in the literature in individuals affected with DSP-related conditions. This variant is present in population databases (rs750869761, gnomAD 0.0009%).

NM_004415.4(DSP):c.2744T>A (p.Met915Lys)

Gene: DSP (desmoplakin; plus strand). Cytogenetic location: 6p24.3.
Variant type: single nucleotide variant.
Coding change: c.2744T>A on transcript NM_004415.4 (MANE Select); coding-DNA position 2744, T replaced by A.
Protein change: p.Met915Lys; replaces methionine 915 with lysine.
Molecular consequence: missense variant.
Genome position (GRCh38, 1-based): chr6:7,576,407, T>A. VCF-style: chr6-7576407-T-A. GRCh37 (hg19) VCF-style: chr6-7576640-T-A.
Other names: c.2744T>A, p.Met915Lys (NM_001008844.3, NM_001319034.2); c.2744T>A (NM_004415.2); short protein forms M915K.
Identifiers: ClinVar variation 1021261 (VCV001021261.10), dbSNP rs750869761, ClinGen allele CA035171.